The following is an entry in ClinVar:

NM_017433.5(MYO3A):c.4465A>G (p.Ile1489Val)

Gene: MYO3A (myosin IIIA; plus strand). Cytogenetic location: 10p12.1.
Variant type: single nucleotide variant.
Coding change: c.4465A>G on transcript NM_017433.5 (MANE Select); coding-DNA position 4465, A replaced by G.
Protein change: p.Ile1489Val; replaces isoleucine 1489 with valine.
Molecular consequence: missense variant.
Genome position (GRCh38, 1-based): chr10:26,193,231, A>G. VCF-style: chr10-26193231-A-G. GRCh37 (hg19) VCF-style: chr10-26482160-A-G.
Other names: short protein forms I1489V.
Identifiers: ClinVar variation 45816 (VCV000045816.56), dbSNP rs147376000, ClinGen allele CA137093.

ClinVar aggregate classification (germline): Conflicting classifications of pathogenicity. Review status: criteria provided, conflicting classifications (1 of 4 stars). 9 submissions from 9 submitters: Uncertain significance (1); Benign (6); Likely benign (2). Last evaluated 2026-09-01.

Conditions:
Autosomal recessive nonsyndromic hearing loss 30. Identifiers: Orphanet 90636, MedGen C1846784, MONDO:0011774, OMIM 607101.

Allele frequency attached by ClinVar (database versions not stated): 1000 Genomes Project 30x 0.00203; TOPMed 0.00414; ESP Exome Variant Server 0.00438; gnomAD 0.00541 and 0.00517; 1000 Genomes Project 0.00200; gnomAD exomes 0.00532; ExAC 0.00548.
gnomAD v4.1: 10,286 of 1,613,820 alleles (0.64%); highest among the groups gnomAD compares: Non-Finnish European, 0.71%; 49 homozygotes.

Submissions (9):

CeGaT Center for Human Genetics Tuebingen
Classification: Likely benign. Last evaluated: 2026-09-01. Review status: criteria provided, single submitter. Criteria: CeGaT Center For Human Genetics Tuebingen Variant Classification Criteria Version 2. Collection method: clinical testing. Allele origin: germline. Affected: yes. Observed: 8 variant alleles.
Comment: MYO3A: BP4, BS2

Labcorp Genetics (formerly Invitae), Labcorp
Classification: Benign. Last evaluated: 2025-12-02. Review status: criteria provided, single submitter. Criteria: Invitae Variant Classification Sherloc (09022015). Collection method: clinical testing. Allele origin: germline.

ARUP Laboratories, Molecular Genetics and Genomics, ARUP Laboratories
Classification: Benign for Autosomal recessive nonsyndromic hearing loss 30. Last evaluated: 2023-10-06. Review status: criteria provided, single submitter. Criteria: ARUP Molecular Germline Variant Investigation Process 2024. Collection method: clinical testing. Allele origin: germline.

Mayo Clinic Laboratories, Mayo Clinic
Classification: Benign. Last evaluated: 2022-05-18. Review status: criteria provided, single submitter. Criteria: ACMG Guidelines, 2015. Collection method: clinical testing. Allele origin: germline. Observed: 3 variant alleles.
Comment: BA1, BS1, BS2

GeneDx
Classification: Benign. Last evaluated: 2019-03-25. Review status: criteria provided, single submitter. Criteria: GeneDx Variant Classification Process June 2021. Collection method: clinical testing. Allele origin: germline. Affected: yes.

Illumina Laboratory Services, Illumina
Classification: Uncertain significance for Autosomal recessive nonsyndromic hearing loss 30. Last evaluated: 2018-01-13. Review status: criteria provided, single submitter. Criteria: ICSL Variant Classification Criteria 13 December 2019. Collection method: clinical testing. Allele origin: germline.

Center for Pediatric Genomic Medicine, Children's Mercy Hospital and Clinics
Classification: Likely benign. Last evaluated: 2017-06-26. Review status: criteria provided, single submitter. Criteria: ACMG Guidelines, 2015. Collection method: clinical testing. Allele origin: germline.

Laboratory for Molecular Medicine, Mass General Brigham Personalized Medicine
Classification: Benign. Last evaluated: 2014-01-21. Review status: criteria provided, single submitter. Criteria: LMM Criteria. Collection method: clinical testing. Allele origin: germline. Observed: 11 variant alleles.
Comment: Ile1489Val in Exon 32 of MYO3A: This variant is not expected to have clinical si gnificance because it has been identified in 0.6% (50/8600) of European American chromosomes from a broad population by the NHLBI Exome Sequencing Project (dbSNP rs147376000).

PreventionGenetics, part of Exact Sciences
Classification: Benign. Review status: criteria provided, single submitter. Criteria: ACMG Guidelines, 2015. Collection method: clinical testing. Allele origin: germline.